The following is an entry in ClinVar:

ClinVar aggregate classification (germline): Likely pathogenic (1 of 4 stars; one submission).

Conditions:
Long QT syndrome (LQTS). Identifiers: MedGen C0023976, MeSH D008133, MONDO:0002442. Disease mechanism: loss of function. Inheritance: Various modes of inheritance.

Submission:

Labcorp Genetics (formerly Invitae), Labcorp
Classification: Likely pathogenic for Long QT syndrome. Last evaluated: 2022-10-05. Review status: criteria provided, single submitter. Criteria: Invitae Variant Classification Sherloc (09022015). Collection method: clinical testing. Allele origin: germline.
Comment: This variant is not present in population databases (gnomAD no frequency). Disruption of this splice site has been observed in individual(s) with clinical features of long QT syndrome (Invitae). This sequence change affects an acceptor splice site in intron 3 of the KCNH2 gene. It is expected to disrupt RNA splicing. Variants that disrupt the donor or acceptor splice site typically lead to a loss of protein function (PMID: 16199547), and loss-of-function variants in KCNH2 are known to be pathogenic (PMID: 10973849, 19862833). ClinVar contains an entry for this variant (Variation ID: 1466419). Algorithms developed to predict the effect of sequence changes on RNA splicing suggest that this variant may disrupt the consensus splice site. In summary, the currently available evidence indicates that the variant is pathogenic, but additional data are needed to prove that conclusively. Therefore, this variant has been classified as Likely Pathogenic.

Literature cited by the submitters: PubMed 16199547; PubMed 10973849; PubMed 19862833.

NM_000238.4(KCNH2):c.473-2A>G

Gene: KCNH2 (potassium voltage-gated channel subfamily H member 2; minus strand). Cytogenetic location: 7q36.1.
Variant type: single nucleotide variant.
Coding change: c.473-2A>G on transcript NM_000238.4 (MANE Select); the canonical splice acceptor site of the intron before coding-DNA position 473, A replaced by G.
Molecular consequence: splice acceptor variant.
Genome position (GRCh38, 1-based): chr7:150,958,504, T>C on the plus strand (A>G on the coding strand, the complement: KCNH2 is on the minus strand). VCF-style: chr7-150958504-T-C. GRCh37 (hg19) VCF-style: chr7-150655592-T-C.
Other names: c.185-2A>G (NM_001406753.1, NM_001406756.1); c.473-2A>G (NM_172056.3); c.296-2A>G (NM_001406755.1); c.173-2A>G (NM_001406757.1).
Identifiers: ClinVar variation 1466419 (VCV001466419.7), dbSNP rs2117007319, ClinGen allele CA369863581.